The following is an entry in ClinVar:

ClinVar aggregate classification (germline): Pathogenic (1 of 4 stars; one submission).

Conditions:
Familial focal epilepsy with variable foci (FPEVF). Identifiers: Orphanet 98820, MedGen C1858477, MONDO:0020310.

Submission:

Labcorp Genetics (formerly Invitae), Labcorp
Classification: Pathogenic for Familial focal epilepsy with variable foci. Last evaluated: 2022-07-14. Review status: criteria provided, single submitter. Criteria: Invitae Variant Classification Sherloc (09022015). Collection method: clinical testing. Allele origin: unknown.
Comment: A gross deletion of the genomic region encompassing the full coding sequence of the DEPDC5 gene has been identified. Loss-of-function variants in DEPDC5 are known to be pathogenic (PMID: 23542697, 23542701). The boundaries of this event are unknown as they extend beyond the assayed region for this gene and therefore may encompass additional genes. This variant has not been reported in the literature in individuals affected with DEPDC5-related conditions. For these reasons, this variant has been classified as Pathogenic.

Literature cited by the submitters: PubMed 23542697; PubMed 23542701.

NC_000022.10:g.(?_32058110)_(32302483_?)del

Genes: DEPDC5 (DEP domain containing 5, GATOR1 subcomplex subunit; plus strand), PRR14L (proline rich 14 like; minus strand). Cytogenetic location: 22q12.2-12.3.
Variant type: Deletion.
Identifiers: ClinVar variation 3247754 (VCV003247754.1).